The following is an entry in ClinVar:

ClinVar aggregate classification (germline): Likely benign (1 of 4 stars; one submission).

Allele frequency attached by ClinVar (database versions not stated): gnomAD 0.00001; TOPMed 0.00004.

Submission:

GeneDx
Classification: Likely benign. Last evaluated: 2017-02-27. Review status: criteria provided, single submitter. Criteria: GeneDx Variant Classification (06012015). Collection method: clinical testing. Allele origin: germline. Affected: yes.
Comment: This variant is considered likely benign or benign based on one or more of the following criteria: it is a conservative change, it occurs at a poorly conserved position in the protein, it is predicted to be benign by multiple in silico algorithms, and/or has population frequency not consistent with disease.

NM_005159.5(ACTC1):c.-44G>A

Genes: ACTC1 (actin alpha cardiac muscle 1; minus strand), GJD2-DT (GJD2 divergent transcript; plus strand). Cytogenetic location: 15q14.
Variant type: single nucleotide variant.
Coding change: c.-44G>A on transcript NM_005159.5 (MANE Select); 44 bases upstream of the start codon, G replaced by A.
Molecular consequence: 5 prime UTR variant.
Genome position (GRCh38, 1-based): chr15:34,795,527, C>T on the plus strand (G>A on the coding strand, the complement: ACTC1 is on the minus strand). VCF-style: chr15-34795527-C-T. GRCh37 (hg19) VCF-style: chr15-35087728-C-T.
Other names: c.-44G>A (LRG_388t1).
Identifiers: ClinVar variation 507617 (VCV000507617.1), dbSNP rs909469426, ClinGen allele CA268665684.